The following is an entry in ClinVar:

ClinVar aggregate classification (germline): Uncertain significance (1 of 4 stars; one submission).

Submission:

Labcorp Genetics (formerly Invitae), Labcorp
Classification: Uncertain significance. Last evaluated: 2024-04-16. Review status: criteria provided, single submitter. Criteria: Invitae Variant Classification Sherloc (09022015). Collection method: clinical testing. Allele origin: germline.
Comment: This sequence change affects codon 11 of the THBD mRNA. It is a 'silent' change, meaning that it does not change the encoded amino acid sequence of the THBD protein. This variant is not present in population databases (gnomAD no frequency). This variant has not been reported in the literature in individuals affected with THBD-related conditions. In summary, the available evidence is currently insufficient to determine the role of this variant in disease. Therefore, it has been classified as a Variant of Uncertain Significance.

NM_000361.3(THBD):c.33C>A (p.Ala11=)

Gene: THBD (thrombomodulin; minus strand). Cytogenetic location: 20p11.21.
Variant type: single nucleotide variant.
Coding change: c.33C>A on transcript NM_000361.3 (MANE Select); coding-DNA position 33, C replaced by A.
Protein change: p.Ala11=; no amino-acid change (alanine 11 retained).
Molecular consequence: synonymous variant.
Genome position (GRCh38, 1-based): chr20:23,049,472, G>T on the plus strand (C>A on the coding strand, the complement: THBD is on the minus strand). VCF-style: chr20-23049472-G-T. GRCh37 (hg19) VCF-style: chr20-23030109-G-T.
Identifiers: ClinVar variation 3650141 (VCV003650141.2).